The following is an entry in ClinVar:

ClinVar aggregate classification (germline): Uncertain significance. Review status: criteria provided, multiple submitters, no conflicts (2 of 4 stars). 2 submissions from 2 submitters: Uncertain significance (2). Last evaluated 2025-07-20.

Conditions:
Neurofibromatosis, type 2 (SWNV). Also called: NF2-Related Schwannomatosis; BILATERAL ACOUSTIC NEUROFIBROMATOSIS; SCHWANNOMATOSIS, VESTIBULAR. Identifiers: Orphanet 637, MedGen C0027832, MONDO:0007039, OMIM 101000. Disease mechanism: loss of function.

Submissions (2):

Labcorp Genetics (formerly Invitae), Labcorp
Classification: Uncertain significance for Neurofibromatosis, type 2. Last evaluated: 2025-07-20. Review status: criteria provided, single submitter. Criteria: Invitae Variant Classification Sherloc (09022015). Collection method: clinical testing. Allele origin: germline.
Comment: This sequence change replaces leucine, which is neutral and non-polar, with valine, which is neutral and non-polar, at codon 117 of the NF2 protein (p.Leu117Val). This variant is not present in population databases (gnomAD no frequency). This missense change has been observed in individual(s) with breast cancer (PMID: 35264596). ClinVar contains an entry for this variant (Variation ID: 584997). Invitae Evidence Modeling of protein sequence and biophysical properties (such as structural, functional, and spatial information, amino acid conservation, physicochemical variation, residue mobility, and thermodynamic stability) indicates that this missense variant is expected to disrupt NF2 protein function with a positive predictive value of 80%. In summary, the available evidence is currently insufficient to determine the role of this variant in disease. Therefore, it has been classified as a Variant of Uncertain Significance.

Mendelics
Classification: Uncertain significance for Neurofibromatosis, type 2. Last evaluated: 2018-07-02. Review status: criteria provided, single submitter. Criteria: Mendelics Assertion Criteria 2017. Collection method: clinical testing. Allele origin: unknown.

Literature cited by the submitters: PubMed 35264596 (cited by Labcorp Genetics (formerly Invitae), Labcorp).

NM_000268.4(NF2):c.349T>G (p.Leu117Val)

Gene: NF2 (NF2, moesin-ezrin-radixin like (MERLIN) tumor suppressor; plus strand). Cytogenetic location: 22q12.2.
Variant type: single nucleotide variant.
Coding change: c.349T>G on transcript NM_000268.4 (MANE Select); coding-DNA position 349, T replaced by G.
Protein change: p.Leu117Val; replaces leucine 117 with valine.
Molecular consequence: missense variant. On other transcripts: non-coding transcript variant (1), intron variant (3).
Genome position (GRCh38, 1-based): chr22:29,639,198, T>G. VCF-style: chr22-29639198-T-G. GRCh37 (hg19) VCF-style: chr22-30035187-T-G.
Other names: c.349T>G, p.Leu117Val (NM_016418.5, NM_181825.3, NM_181832.3 and 1 more transcripts); c.223T>G, p.Leu75Val (NM_181828.3); c.240+2322T>G (NM_181829.3); c.115-3004T>G (NM_181830.3, NM_181831.3); short protein forms L117V, L75V.
Identifiers: ClinVar variation 584997 (VCV000584997.3), dbSNP rs1569281810, ClinGen allele CA411153367.